The following is an entry in ClinVar:

NM_000535.7(PMS2):c.2513A>C (p.Asp838Ala)

Gene: PMS2 (PMS1 homolog 2, mismatch repair system component; minus strand). Cytogenetic location: 7p22.1.
Variant type: single nucleotide variant.
Coding change: c.2513A>C on transcript NM_000535.7 (MANE Select); coding-DNA position 2513, A replaced by C.
Protein change: p.Asp838Ala; replaces aspartic acid 838 with alanine.
Molecular consequence: missense variant. On other transcripts: non-coding transcript variant (1).
Genome position (GRCh38, 1-based): chr7:5,973,475, T>G on the plus strand (A>C on the coding strand, the complement: PMS2 is on the minus strand). VCF-style: chr7-5973475-T-G. GRCh37 (hg19) VCF-style: chr7-6013106-T-G.
Other names: c.2108A>C, p.Asp703Ala (NM_001322003.2, NM_001322004.2, NM_001322005.2); c.2357A>C, p.Asp786Ala (NM_001322006.2); c.2195A>C, p.Asp732Ala (NM_001322007.2, NM_001322008.2); c.2141A>C, p.Asp714Ala (NM_001322009.2); c.1952A>C, p.Asp651Ala (NM_001322010.2); c.1580A>C, p.Asp527Ala (NM_001322011.2, NM_001322012.2); c.1940A>C, p.Asp647Ala (NM_001322013.2); c.2546A>C, p.Asp849Ala (NM_001322014.2); and 1 more; short protein forms D735A, D786A, D849A, D651A, D647A, D703A, D527A, D714A.
Identifiers: ClinVar variation 821384 (VCV000821384.4), dbSNP rs1029895711, ClinGen allele CA153219016.

ClinVar aggregate classification (germline): Uncertain significance (1 of 4 stars; one submission).

Conditions:
Hereditary cancer-predisposing syndrome. Also called: Neoplastic Syndromes, Hereditary; Tumor predisposition; Hereditary Cancer Syndrome; Hereditary neoplastic syndrome. Identifiers: Orphanet 140162, MedGen C0027672, MeSH D009386, MONDO:0015356.

Submission:

Ambry Genetics
Classification: Uncertain significance for Hereditary cancer-predisposing syndrome. Last evaluated: 2018-08-16. Review status: criteria provided, single submitter. Criteria: Ambry Variant Classification Scheme 2023. Collection method: clinical testing. Allele origin: germline.
Comment: The p.D838A variant (also known as c.2513A>C), located in coding exon 15 of the PMS2 gene, results from an A to C substitution at nucleotide position 2513. The aspartic acid at codon 838 is replaced by alanine, an amino acid with dissimilar properties. This amino acid position is poorly conserved in available vertebrate species. In addition, the in silico prediction for this alteration is inconclusive. Since supporting evidence is limited at this time, the clinical significance of this alteration remains unclear.